The following is an entry in ClinVar:

ClinVar aggregate classification (germline): Uncertain significance. Review status: criteria provided, multiple submitters, no conflicts (2 of 4 stars). 2 submissions from 2 submitters: Uncertain significance (2). Last evaluated 2025-08-19.

Allele frequency attached by ClinVar (database versions not stated): ESP Exome Variant Server 0.00008; 1000 Genomes Project 30x 0.00016; 1000 Genomes Project 0.00020; gnomAD 0.00020 and 0.00021; TOPMed 0.00023.

Submissions (2):

Labcorp Genetics (formerly Invitae), Labcorp
Classification: Uncertain significance. Last evaluated: 2025-08-19. Review status: criteria provided, single submitter. Criteria: Invitae Variant Classification Sherloc (09022015). Collection method: clinical testing. Allele origin: germline.
Comment: This sequence change replaces serine, which is neutral and polar, with phenylalanine, which is neutral and non-polar, at codon 216 of the KANK4 protein (p.Ser216Phe). This variant is present in population databases (rs200275217, gnomAD 0.03%). This variant has not been reported in the literature in individuals affected with KANK4-related conditions. ClinVar contains an entry for this variant (Variation ID: 1422313). An algorithm developed to predict the effect of missense changes on protein structure and function outputs the following: PolyPhen-2: "Benign". The phenylalanine amino acid residue is found in multiple mammalian species, which suggests that this missense change does not adversely affect protein function. In summary, the available evidence is currently insufficient to determine the role of this variant in disease. Therefore, it has been classified as a Variant of Uncertain Significance.

Ambry Genetics
Classification: Uncertain significance. Last evaluated: 2021-08-17. Review status: criteria provided, single submitter. Criteria: Ambry Variant Classification Scheme 2023. Collection method: clinical testing. Allele origin: germline.

NM_181712.5(KANK4):c.647C>T (p.Ser216Phe)

Gene: KANK4 (KN motif and ankyrin repeat domains 4; minus strand). Cytogenetic location: 1p31.3.
Variant type: single nucleotide variant.
Coding change: c.647C>T on transcript NM_181712.5 (MANE Select); coding-DNA position 647, C replaced by T.
Protein change: p.Ser216Phe; replaces serine 216 with phenylalanine.
Molecular consequence: missense variant. On other transcripts: intron variant (1).
Genome position (GRCh38, 1-based): chr1:62,274,457, G>A on the plus strand (C>T on the coding strand, the complement: KANK4 is on the minus strand). VCF-style: chr1-62274457-G-A. GRCh37 (hg19) VCF-style: chr1-62740129-G-A.
Other names: c.17-2868C>T (NM_001320269.2); c.647C>T (NM_181712.4); short protein forms S216F.
Identifiers: ClinVar variation 1422313 (VCV001422313.9), dbSNP rs200275217, ClinGen allele CA884528.
Genomic context (GRCh38, chr1:62,274,457, plus strand): 5'-TCTGGAGGCTCAGCTCCCTCCTGGACCAGCTCTGGAATCCGAGTTGATGCTCGTGGGCTG[G>A]AGCTGTGGAAACCTGCCAATCCTTCTGCAGGTTCAAAGGTGCCATCACAGACACTGCCTT-3'
Protein context (NP_859063.3, residues 206-226): PAEGLAGFHS[Ser216Phe]SPRASTRIPE